The following is an entry in ClinVar:

NM_021942.6(TRAPPC11):c.2127T>A (p.Asp709Glu)

Gene: TRAPPC11 (trafficking protein particle complex subunit 11; plus strand). Cytogenetic location: 4q35.1.
Variant type: single nucleotide variant.
Coding change: c.2127T>A on transcript NM_021942.6 (MANE Select); coding-DNA position 2127, T replaced by A.
Protein change: p.Asp709Glu; replaces aspartic acid 709 with glutamic acid.
Molecular consequence: missense variant.
Genome position (GRCh38, 1-based): chr4:183,693,037, T>A. VCF-style: chr4-183693037-T-A. GRCh37 (hg19) VCF-style: chr4-184614190-T-A.
Other names: c.2127T>A, p.Asp709Glu (NM_199053.3); short protein forms D709E.
Identifiers: ClinVar variation 3020847 (VCV003020847.3), dbSNP rs2476910039, ClinGen allele CA358870883.
Genomic context (GRCh38, chr4:183,693,037, plus strand): 5'-TGCTCTGGGCAATGAGACGGGAAGATGTGTGGTTTTAAATTGGCAGGGAGGAGGAGGAGA[T>A]GCTGCTTCCTCCCAAGAAGCCTTACAGGCAGCTCGGTCTTTCAAAAGGCGACCTAAGCTA-3'
Protein context (NP_068761.4, residues 699-719): VVLNWQGGGG[Asp709Glu]AASSQEALQA

ClinVar aggregate classification (germline): Uncertain significance (1 of 4 stars; one submission).

Conditions:
Autosomal recessive limb-girdle muscular dystrophy type R18 (LGMDR18). Also called: Limb-girdle muscular dystrophy, type 2S; MUSCULAR DYSTROPHY, LIMB-GIRDLE, AUTOSOMAL RECESSIVE 18; Autosomal recessive limb-girdle muscular dystrophy type 2S. Identifiers: Orphanet 369840, MedGen C4517996, MONDO:0014144, OMIM 615356.

Submission:

Labcorp Genetics (formerly Invitae), Labcorp
Classification: Uncertain significance for Autosomal recessive limb-girdle muscular dystrophy type R18. Last evaluated: 2023-03-18. Review status: criteria provided, single submitter. Criteria: Invitae Variant Classification Sherloc (09022015). Collection method: clinical testing. Allele origin: germline.
Comment: This sequence change replaces aspartic acid, which is acidic and polar, with glutamic acid, which is acidic and polar, at codon 709 of the TRAPPC11 protein (p.Asp709Glu). This variant is not present in population databases (gnomAD no frequency). This variant has not been reported in the literature in individuals affected with TRAPPC11-related conditions. Advanced modeling of protein sequence and biophysical properties (such as structural, functional, and spatial information, amino acid conservation, physicochemical variation, residue mobility, and thermodynamic stability) performed at Invitae indicates that this missense variant is not expected to disrupt TRAPPC11 protein function. In summary, the available evidence is currently insufficient to determine the role of this variant in disease. Therefore, it has been classified as a Variant of Uncertain Significance.